The following is an entry in ClinVar:

ClinVar aggregate classification (germline): Uncertain significance (1 of 4 stars; one submission).

Conditions:
Leukocyte adhesion deficiency 3. Also called: Leukocyte adhesion deficiency, type III; INTEGRIN ACTIVATION DEFICIENCY DISEASE; LEUKOCYTE ADHESION DEFICIENCY 1 VARIANT. Identifiers: Orphanet 2968, Orphanet 99844, MedGen C2748536, MONDO:0013016, OMIM 612840.

Submission:

Labcorp Genetics (formerly Invitae), Labcorp
Classification: Uncertain significance for Leukocyte adhesion deficiency 3. Last evaluated: 2022-08-23. Review status: criteria provided, single submitter. Criteria: Invitae Variant Classification Sherloc (09022015). Collection method: clinical testing. Allele origin: germline.
Comment: In summary, the available evidence is currently insufficient to determine the role of this variant in disease. Therefore, it has been classified as a Variant of Uncertain Significance. Algorithms developed to predict the effect of missense changes on protein structure and function are either unavailable or do not agree on the potential impact of this missense change (SIFT: "Deleterious"; PolyPhen-2: "Probably Damaging"; Align-GVGD: "Class C15"). ClinVar contains an entry for this variant (Variation ID: 643214). This variant has not been reported in the literature in individuals affected with FERMT3-related conditions. This variant is not present in population databases (gnomAD no frequency). This sequence change replaces serine, which is neutral and polar, with tryptophan, which is neutral and slightly polar, at codon 14 of the FERMT3 protein (p.Ser14Trp).

NM_031471.6(FERMT3):c.41C>G (p.Ser14Trp)

Gene: FERMT3 (FERM domain containing kindlin 3; plus strand). Cytogenetic location: 11q13.1.
Variant type: single nucleotide variant.
Coding change: c.41C>G on transcript NM_031471.6 (MANE Select); coding-DNA position 41, C replaced by G.
Protein change: p.Ser14Trp; replaces serine 14 with tryptophan.
Molecular consequence: missense variant.
Genome position (GRCh38, 1-based): chr11:64,207,405, C>G. VCF-style: chr11-64207405-C-G. GRCh37 (hg19) VCF-style: chr11-63974877-C-G.
Other names: c.41C>G, p.Ser14Trp (NM_001382361.1, NM_001382362.1, NM_001382448.1 and 1 more transcripts); short protein forms S14W.
Identifiers: ClinVar variation 643214 (VCV000643214.8), dbSNP rs778799174, ClinGen allele CA381079474.